The following is an entry in ClinVar:

ClinVar aggregate classification (germline): Uncertain significance. Review status: criteria provided, multiple submitters, no conflicts (2 of 4 stars). 2 submissions from 2 submitters: Uncertain significance (2). Last evaluated 2026-05-10.

Allele frequency attached by ClinVar (database versions not stated): gnomAD 0.00001; TOPMed 0.00001; ExAC 0.00001; gnomAD exomes 0.00001.
gnomAD v4.1: 18 of 1,613,288 alleles (0.0011%); highest among the groups gnomAD compares: African/African-American, 0.0093%; no homozygotes.

Submissions (2):

Women's Health and Genetics/Laboratory Corporation of America, LabCorp
Classification: Uncertain significance. Last evaluated: 2026-05-10. Review status: criteria provided, single submitter. Criteria: LabCorp Variant Classification Summary - May 2015. Collection method: clinical testing. Allele origin: germline.

Labcorp Genetics (formerly Invitae), Labcorp
Classification: Uncertain significance. Last evaluated: 2022-07-26. Review status: criteria provided, single submitter. Criteria: Invitae Variant Classification Sherloc (09022015). Collection method: clinical testing. Allele origin: germline.
Comment: This sequence change replaces aspartic acid, which is acidic and polar, with valine, which is neutral and non-polar, at codon 1871 of the COL7A1 protein (p.Asp1871Val). This variant is present in population databases (rs763925786, gnomAD 0.0009%). This variant has not been reported in the literature in individuals affected with COL7A1-related conditions. Algorithms developed to predict the effect of missense changes on protein structure and function are either unavailable or do not agree on the potential impact of this missense change (SIFT: "Deleterious"; PolyPhen-2: "Not Available"; Align-GVGD: "Class C25"). In summary, the available evidence is currently insufficient to determine the role of this variant in disease. Therefore, it has been classified as a Variant of Uncertain Significance.

NM_000094.4(COL7A1):c.5612A>T (p.Asp1871Val)

Gene: COL7A1 (collagen type VII alpha 1 chain; minus strand). Cytogenetic location: 3p21.31.
Variant type: single nucleotide variant.
Coding change: c.5612A>T on transcript NM_000094.4 (MANE Select); coding-DNA position 5612, A replaced by T.
Protein change: p.Asp1871Val; replaces aspartic acid 1871 with valine.
Molecular consequence: missense variant.
Genome position (GRCh38, 1-based): chr3:48,576,764, T>A on the plus strand (A>T on the coding strand, the complement: COL7A1 is on the minus strand). VCF-style: chr3-48576764-T-A. GRCh37 (hg19) VCF-style: chr3-48614197-T-A.
Other names: short protein forms D1871V.
Identifiers: ClinVar variation 2181094 (VCV002181094.2), dbSNP rs763925786, ClinGen allele CA2379399.
Genomic context (GRCh38, chr3:48,576,764, plus strand): 5'-AGGCCTGGAGGCCCCTGGGGTCCAAGGATACCAGGAGCTCCACGCTCACCCTTGGGGCCA[T>A]CACGACCCTGTGAAGGATGCAGCCAGCATCAGCACCCTGAGACCTCAGAAAAGAGTGGAG-3'
Protein context (NP_000085.1, residues 1861-1881): DSGASGREGR[Asp1871Val]GPKGERGAPG